The following is an entry in ClinVar:

NM_033124.5(DRC2):c.347C>T (p.Ala116Val)

Gene: DRC2 (dynein regulatory complex subunit 2; plus strand). Cytogenetic location: 12q13.12.
Variant type: single nucleotide variant.
Coding change: c.347C>T on transcript NM_033124.5 (MANE Select); coding-DNA position 347, C replaced by T.
Protein change: p.Ala116Val; replaces alanine 116 with valine.
Molecular consequence: missense variant. On other transcripts: 5 prime UTR variant (1).
Genome position (GRCh38, 1-based): chr12:48,914,450, C>T. VCF-style: chr12-48914450-C-T. GRCh37 (hg19) VCF-style: chr12-49308233-C-T.
Other names: c.-83C>T (NM_001286957.2); short protein forms A116V.
Identifiers: ClinVar variation 474638 (VCV000474638.8), dbSNP rs563337831, ClinGen allele CA6543217.

ClinVar aggregate classification (germline): Uncertain significance (1 of 4 stars; one submission).

Conditions:
Primary ciliary dyskinesia 27. Also called: CILIARY DYSKINESIA, PRIMARY, 27, WITHOUT SITUS INVERSUS. Identifiers: Orphanet 244, MedGen C3809701, MONDO:0014215, OMIM 615504.

Allele frequency attached by ClinVar (database versions not stated): gnomAD below 0.00001 and 0.00003; gnomAD exomes 0.00017; ExAC 0.00018; 1000 Genomes Project 0.00040; 1000 Genomes Project 30x 0.00047.
gnomAD v4.1: 103 of 1,614,076 alleles (0.0064%); highest among the groups gnomAD compares: South Asian, 0.1%; no homozygotes.

Submission:

Labcorp Genetics (formerly Invitae), Labcorp
Classification: Uncertain significance for Primary ciliary dyskinesia 27. Last evaluated: 2022-09-06. Review status: criteria provided, single submitter. Criteria: Invitae Variant Classification Sherloc (09022015). Collection method: clinical testing. Allele origin: germline.
Comment: This sequence change replaces alanine, which is neutral and non-polar, with valine, which is neutral and non-polar, at codon 116 of the CCDC65 protein (p.Ala116Val). This variant is present in population databases (rs563337831, gnomAD 0.1%). This variant has not been reported in the literature in individuals affected with CCDC65-related conditions. ClinVar contains an entry for this variant (Variation ID: 474638). Algorithms developed to predict the effect of missense changes on protein structure and function are either unavailable or do not agree on the potential impact of this missense change (SIFT: "Tolerated"; PolyPhen-2: "Possibly Damaging"; Align-GVGD: "Class C0"). In summary, the available evidence is currently insufficient to determine the role of this variant in disease. Therefore, it has been classified as a Variant of Uncertain Significance.